The following is an entry in ClinVar:

ClinVar aggregate classification (germline): Likely benign (1 of 4 stars; one submission).

Allele frequency attached by ClinVar (database versions not stated): gnomAD 0.00007; ExAC 0.00009; ESP Exome Variant Server 0.00023.
gnomAD v4.1: 131 of 1,612,956 alleles (0.0081%); highest among the groups gnomAD compares: Non-Finnish European, 0.01%; no homozygotes.

Submissions (2):

CeGaT Center for Human Genetics Tuebingen
Classification: Likely benign. Last evaluated: 2022-10-01. Review status: criteria provided, single submitter. Criteria: CeGaT Center For Human Genetics Tuebingen Variant Classification Criteria Version 2. Collection method: clinical testing. Allele origin: germline. Affected: yes. Observed: 1 variant allele.
Comment: CLIP1: BP4, BS2

Dr. Peter K. Rogan Lab, Western University
No classification provided (evidence only). Condition: Gastric cancer. Review status: no classification provided. Collection method: in vitro. Allele origin: not applicable. Functional consequence: retained intron. Not counted in ClinVar's aggregate classification.

NM_001247997.2(CLIP1):c.3567C>T (p.Ser1189=)

Gene: CLIP1 (CAP-Gly domain containing linker protein 1; minus strand). Cytogenetic location: 12q24.31.
Variant type: single nucleotide variant.
Coding change: c.3567C>T on transcript NM_001247997.2 (MANE Select); coding-DNA position 3567, C replaced by T.
Protein change: p.Ser1189=; no amino-acid change (serine 1189 retained).
Molecular consequence: synonymous variant.
Genome position (GRCh38, 1-based): chr12:122,309,789, G>A on the plus strand (C>T on the coding strand, the complement: CLIP1 is on the minus strand). VCF-style: chr12-122309789-G-A. GRCh37 (hg19) VCF-style: chr12-122794336-G-A.
Other names: NC_000012.11:g.122794336G>A; c.3534C>T, p.Ser1178= (NM_002956.3); c.3429C>T, p.Ser1143= (NM_198240.3); c.5697C>T, p.Ser1899= (NM_001389291.1).
Identifiers: ClinVar variation 2643497 (VCV002643497.25), dbSNP rs375267504, ClinGen allele CA6845027.